The following is an entry in ClinVar:

NM_001367479.1(DNAH14):c.13037T>G (p.Phe4346Cys)

Gene: DNAH14 (dynein axonemal heavy chain 14; plus strand). Cytogenetic location: 1q42.12.
Variant type: single nucleotide variant.
Coding change: c.13037T>G on transcript NM_001367479.1 (MANE Select); coding-DNA position 13037, T replaced by G.
Protein change: p.Phe4346Cys; replaces phenylalanine 4346 with cysteine.
Molecular consequence: missense variant.
Genome position (GRCh38, 1-based): chr1:225,381,539, T>G. VCF-style: chr1-225381539-T-G. GRCh37 (hg19) VCF-style: chr1-225569241-T-G.
Other names: short protein forms F4346C.
Identifiers: ClinVar variation 402666 (VCV000402666.6), dbSNP rs950210, ClinGen allele CA1416905.

ClinVar aggregate classification (germline): Benign. Review status: criteria provided, multiple submitters, no conflicts (2 of 4 stars). 2 submissions from 2 submitters: Benign (2). Last evaluated 2016-03-28.

Allele frequency attached by ClinVar (database versions not stated): 1000 Genomes Project 30x 0.52124; 1000 Genomes Project 0.52835; ESP Exome Variant Server 0.53198; gnomAD 0.54738 and 0.55246; TOPMed 0.54816; ExAC 0.54833; gnomAD exomes 0.63647 and 0.63830.
gnomAD v4.1: 969,114 of 1,538,778 alleles (63%); highest among the groups gnomAD compares: East Asian, 78%; 313,741 homozygotes.

Submissions (4):

Laboratory for Molecular Medicine, Mass General Brigham Personalized Medicine
Classification: Benign. Last evaluated: 2016-03-28. Review status: criteria provided, single submitter. Criteria: LMM Criteria. Collection method: clinical testing. Allele origin: germline.
Comment: Variant identified in a genome or exome case(s) and assessed due to predicted null impact of the variant or pathogenic assertions in the literature or databases. Disclaimer: This variant has not undergone full assessment. The following are preliminary notes: Frequency

Breakthrough Genomics
Classification: Benign. Review status: criteria provided, single submitter. Criteria: ACMG Guidelines, 2015. Collection method: not provided. Allele origin: germline. Inheritance: Unknown mechanism. Affected: yes.

Dr. Peter K. Rogan Lab, Western University
No classification provided (evidence only). Condition: Gastric cancer. Review status: no classification provided. Collection method: in vitro. Allele origin: not applicable. Functional consequence: retained intron. Not counted in ClinVar's aggregate classification.

Dr. Peter K. Rogan Lab, Western University
No classification provided (evidence only). Condition: Uterine carcinosarcoma. Review status: no classification provided. Collection method: in vitro. Allele origin: not applicable. Functional consequence: retained intron. Not counted in ClinVar's aggregate classification.